The following is an entry in ClinVar:

NM_001288705.3(CSF1R):c.847G>A (p.Val283Met)

Gene: CSF1R (colony stimulating factor 1 receptor; minus strand). Cytogenetic location: 5q32.
Variant type: single nucleotide variant.
Coding change: c.847G>A on transcript NM_001288705.3 (MANE Select); coding-DNA position 847, G replaced by A.
Protein change: p.Val283Met; replaces valine 283 with methionine.
Molecular consequence: missense variant. On other transcripts: non-coding transcript variant (2).
Genome position (GRCh38, 1-based): chr5:150,077,318, C>T on the plus strand (G>A on the coding strand, the complement: CSF1R is on the minus strand). VCF-style: chr5-150077318-C-T. GRCh37 (hg19) VCF-style: chr5-149456881-C-T.
Other names: c.847G>A, p.Val283Met (NM_001349736.2, NM_001375320.1, NM_005211.4); c.403G>A, p.Val135Met (NM_001375321.1); short protein forms V135M, V283M.
Identifiers: ClinVar variation 1942008 (VCV001942008.5), dbSNP rs375148574, ClinGen allele CA3507050.

ClinVar aggregate classification (germline): Uncertain significance (1 of 4 stars; one submission).

Allele frequency attached by ClinVar (database versions not stated): ExAC 0.00002; gnomAD exomes 0.00002; gnomAD 0.00003; TOPMed 0.00003; ESP Exome Variant Server 0.00008.
gnomAD v4.1: 35 of 1,614,100 alleles (0.0022%); highest among the groups gnomAD compares: Non-Finnish European, 0.0025%; no homozygotes.

Submission:

Labcorp Genetics (formerly Invitae), Labcorp
Classification: Uncertain significance. Last evaluated: 2022-11-23. Review status: criteria provided, single submitter. Criteria: Invitae Variant Classification Sherloc (09022015). Collection method: clinical testing. Allele origin: germline.
Comment: This variant has not been reported in the literature in individuals affected with CSF1R-related conditions. In summary, the available evidence is currently insufficient to determine the role of this variant in disease. Therefore, it has been classified as a Variant of Uncertain Significance. Advanced modeling of protein sequence and biophysical properties (such as structural, functional, and spatial information, amino acid conservation, physicochemical variation, residue mobility, and thermodynamic stability) performed at Invitae indicates that this missense variant is not expected to disrupt CSF1R protein function. This variant is present in population databases (rs375148574, gnomAD 0.004%). This sequence change replaces valine, which is neutral and non-polar, with methionine, which is neutral and non-polar, at codon 283 of the CSF1R protein (p.Val283Met).